The following is an entry in ClinVar:

NM_020975.6(RET):c.649G>A (p.Ala217Thr)

Gene: RET (ret proto-oncogene; plus strand). Cytogenetic location: 10q11.21.
Variant type: single nucleotide variant.
Coding change: c.649G>A on transcript NM_020975.6 (MANE Select); coding-DNA position 649, G replaced by A.
Protein change: p.Ala217Thr; replaces alanine 217 with threonine.
Molecular consequence: missense variant.
Genome position (GRCh38, 1-based): chr10:43,104,975, G>A. VCF-style: chr10-43104975-G-A. GRCh37 (hg19) VCF-style: chr10-43600423-G-A.
Other names: c.649G>A, p.Ala217Thr (NM_000323.2, NM_001406743.1, NM_001406744.1 and 8 more transcripts); c.-114G>A (NM_001355216.2); c.520G>A, p.Ala174Thr (NM_001406761.1, NM_001406762.1, NM_001406764.1 and 2 more transcripts); c.361G>A, p.Ala121Thr (NM_001406766.1, NM_001406767.1, NM_001406770.1); short protein forms A217T, A121T, A174T.
Identifiers: ClinVar variation 1375505 (VCV001375505.9), dbSNP rs1259626672, ClinGen allele CA376544362.

ClinVar aggregate classification (germline): Uncertain significance (1 of 4 stars; one submission).

Conditions:
Multiple endocrine neoplasia, type 2 (MEN2). Identifiers: Orphanet 653, MedGen C4048306, MONDO:0019003. Disease mechanism: gain of function.

Submission:

Labcorp Genetics (formerly Invitae), Labcorp
Classification: Uncertain significance for Multiple endocrine neoplasia, type 2. Last evaluated: 2021-01-03. Review status: criteria provided, single submitter. Criteria: Invitae Variant Classification Sherloc (09022015). Collection method: clinical testing. Allele origin: germline.
Comment: Algorithms developed to predict the effect of missense changes on protein structure and function output the following: SIFT: "Tolerated"; PolyPhen-2: "Benign"; Align-GVGD: "Class C0". The threonine amino acid residue is found in multiple mammalian species, suggesting that this missense change does not adversely affect protein function. These predictions have not been confirmed by published functional studies and their clinical significance is uncertain. This variant has not been reported in the literature in individuals with RET-related conditions. This variant is not present in population databases (ExAC no frequency). This sequence change replaces alanine with threonine at codon 217 of the RET protein (p.Ala217Thr). The alanine residue is weakly conserved and there is a small physicochemical difference between alanine and threonine. In summary, the available evidence is currently insufficient to determine the role of this variant in disease. Therefore, it has been classified as a Variant of Uncertain Significance.